The following is an entry in ClinVar:

NM_001171613.2(PREPL):c.691A>G (p.Thr231Ala)

Gene: PREPL (prolyl endopeptidase like; minus strand). Cytogenetic location: 2p21.
Variant type: single nucleotide variant.
Coding change: c.691A>G on transcript NM_001171613.2 (MANE Select); coding-DNA position 691, A replaced by G.
Protein change: p.Thr231Ala; replaces threonine 231 with alanine.
Molecular consequence: missense variant.
Genome position (GRCh38, 1-based): chr2:44,339,158, T>C on the plus strand (A>G on the coding strand, the complement: PREPL is on the minus strand). VCF-style: chr2-44339158-T-C. GRCh37 (hg19) VCF-style: chr2-44566297-T-C.
Other names: c.958A>G, p.Thr320Ala (NM_001042385.2, NM_001042386.2, NM_001171603.1 and 4 more transcripts); c.691A>G, p.Thr231Ala (NM_001171617.1, NM_001374277.1); short protein forms T231A, T320A.
Identifiers: ClinVar variation 3707542 (VCV003707542.2).

ClinVar aggregate classification (germline): Uncertain significance (1 of 4 stars; one submission).

Conditions:
Myasthenic syndrome, congenital, 22 (CMS22). Also called: PREPL DEFICIENCY. Identifiers: MedGen C4479088, MONDO:0044299, OMIM 616224.

Submission:

Labcorp Genetics (formerly Invitae), Labcorp
Classification: Uncertain significance for Myasthenic syndrome, congenital, 22. Last evaluated: 2025-01-20. Review status: criteria provided, single submitter. Criteria: Invitae Variant Classification Sherloc (09022015). Collection method: clinical testing. Allele origin: germline.
Comment: This sequence change replaces threonine, which is neutral and polar, with alanine, which is neutral and non-polar, at codon 320 of the PREPL protein (p.Thr320Ala). This variant is not present in population databases (gnomAD no frequency). This variant has not been reported in the literature in individuals affected with PREPL-related conditions. Invitae Evidence Modeling of protein sequence and biophysical properties (such as structural, functional, and spatial information, amino acid conservation, physicochemical variation, residue mobility, and thermodynamic stability) indicates that this missense variant is not expected to disrupt PREPL protein function with a negative predictive value of 80%. In summary, the available evidence is currently insufficient to determine the role of this variant in disease. Therefore, it has been classified as a Variant of Uncertain Significance.